The following is an entry in ClinVar:

NM_176787.5(PIGN):c.804G>T (p.Trp268Cys)

Gene: PIGN (phosphatidylinositol glycan anchor biosynthesis class N; minus strand). Cytogenetic location: 18q21.33.
Variant type: single nucleotide variant.
Coding change: c.804G>T on transcript NM_176787.5 (MANE Select); coding-DNA position 804, G replaced by T.
Protein change: p.Trp268Cys; replaces tryptophan 268 with cysteine.
Molecular consequence: missense variant.
Genome position (GRCh38, 1-based): chr18:62,146,972, C>A on the plus strand (G>T on the coding strand, the complement: PIGN is on the minus strand). VCF-style: chr18-62146972-C-A. GRCh37 (hg19) VCF-style: chr18-59814205-C-A.
Other names: c.804G>T, p.Trp268Cys (NM_012327.6); short protein forms W268C.
Identifiers: ClinVar variation 1376753 (VCV001376753.8), dbSNP rs1057520345, ClinGen allele CA402601433.

ClinVar aggregate classification (germline): Pathogenic/Likely pathogenic. Review status: criteria provided, multiple submitters, no conflicts (2 of 4 stars). 2 submissions from 2 submitters: Pathogenic (1); Likely pathogenic (1). Last evaluated 2024-01-31.

Conditions:
Multiple congenital anomalies-hypotonia-seizures syndrome 1 (MCAHS1). Also called: PIGN-CDG; Congenital disorder of glycosylation due to PIGN deficiency; GLYCOSYLPHOSPHATIDYLINOSITOL BIOSYNTHESIS DEFECT 3. Identifiers: Orphanet 280633, MedGen C3279775, MONDO:0013563, OMIM 614080.

Submissions (2):

GeneDx
Classification: Likely pathogenic. Last evaluated: 2024-01-31. Review status: criteria provided, single submitter. Criteria: GeneDx Variant Classification Process June 2021. Collection method: clinical testing. Allele origin: germline. Affected: yes.
Comment: Not observed at significant frequency in large population cohorts (gnomAD); In silico analysis suggests this variant may impact gene splicing. In the absence of RNA/functional studies, the actual effect of this sequence change is unknown.; In silico analysis supports that this missense variant has a deleterious effect on protein structure/function; Has not been previously published as pathogenic or benign to our knowledge; This variant is associated with the following publications: (PMID: 36322149)

Labcorp Genetics (formerly Invitae), Labcorp
Classification: Pathogenic for Multiple congenital anomalies-hypotonia-seizures syndrome 1. Last evaluated: 2024-01-29. Review status: criteria provided, single submitter. Criteria: Invitae Variant Classification Sherloc (09022015). Collection method: clinical testing. Allele origin: germline.
Comment: This sequence change replaces tryptophan, which is neutral and slightly polar, with cysteine, which is neutral and slightly polar, at codon 268 of the PIGN protein (p.Trp268Cys). This variant is not present in population databases (gnomAD no frequency). This missense change has been observed in individual(s) with clinical features of PIGN-congenital disorder of glycosylation (PMID: 36322149; Invitae). In at least one individual the data is consistent with being in trans (on the opposite chromosome) from a pathogenic variant. It has also been observed to segregate with disease in related individuals. ClinVar contains an entry for this variant (Variation ID: 1376753). An algorithm developed to predict the effect of missense changes on protein structure and function (PolyPhen-2) suggests that this variant is likely to be disruptive. For these reasons, this variant has been classified as Pathogenic.

Literature cited by the submitters: PubMed 36322149 (cited by Labcorp Genetics (formerly Invitae), Labcorp).